The following is an entry in ClinVar:

ClinVar aggregate classification (germline): Uncertain significance (1 of 4 stars; one submission).

Allele frequency attached by ClinVar (database versions not stated): gnomAD 0.00002 and 0.00003; ExAC 0.00003; gnomAD exomes 0.00003 and 0.00006; TOPMed 0.00004; ESP Exome Variant Server 0.00008; 1000 Genomes Project 30x 0.00016; 1000 Genomes Project 0.00020.
gnomAD v4.1: 50 of 1,613,742 alleles (0.0031%); highest among the groups gnomAD compares: Middle Eastern, 0.05%; 1 homozygote.

Submission:

Labcorp Genetics (formerly Invitae), Labcorp
Classification: Uncertain significance. Last evaluated: 2024-06-04. Review status: criteria provided, single submitter. Criteria: Invitae Variant Classification Sherloc (09022015). Collection method: clinical testing. Allele origin: germline.
Comment: This sequence change replaces proline, which is neutral and non-polar, with serine, which is neutral and polar, at codon 1638 of the C5 protein (p.Pro1638Ser). This variant is present in population databases (rs371917232, gnomAD 0.08%). This variant has not been reported in the literature in individuals affected with C5-related conditions. ClinVar contains an entry for this variant (Variation ID: 1426109). Advanced modeling of protein sequence and biophysical properties (such as structural, functional, and spatial information, amino acid conservation, physicochemical variation, residue mobility, and thermodynamic stability) performed at Invitae indicates that this missense variant is not expected to disrupt C5 protein function with a negative predictive value of 80%. In summary, the available evidence is currently insufficient to determine the role of this variant in disease. Therefore, it has been classified as a Variant of Uncertain Significance.

NM_001735.3(C5):c.4912C>T (p.Pro1638Ser)

Gene: C5 (complement C5; minus strand). Cytogenetic location: 9q33.2.
Variant type: single nucleotide variant.
Coding change: c.4912C>T on transcript NM_001735.3 (MANE Select); coding-DNA position 4912, C replaced by T.
Protein change: p.Pro1638Ser; replaces proline 1638 with serine.
Molecular consequence: missense variant.
Genome position (GRCh38, 1-based): chr9:120,952,858, G>A on the plus strand (C>T on the coding strand, the complement: C5 is on the minus strand). VCF-style: chr9-120952858-G-A. GRCh37 (hg19) VCF-style: chr9-123715136-G-A.
Other names: c.4930C>T, p.Pro1644Ser (NM_001317163.2); short protein forms P1644S, P1638S.
Identifiers: ClinVar variation 1426109 (VCV001426109.7), dbSNP rs371917232, ClinGen allele CA5217018.